The following is an entry in ClinVar:

ClinVar aggregate classification (germline): Conflicting classifications of pathogenicity. Review status: criteria provided, conflicting classifications (1 of 4 stars). 11 submissions from 11 submitters: Pathogenic (1); Likely pathogenic (4); Uncertain significance (5). 1 of the submissions does not count toward it. Last evaluated 2026-07-14.

Conditions:
KCNE1-related disorder. Also called: KCNE1-related condition.
Cardiovascular phenotype. Identifiers: MedGen CN230736.
Familial long QT syndrome (RWS). Also called: Congenital long QT syndrome; VENTRICULAR FIBRILLATION WITH PROLONGED QT INTERVAL; Romano-Ward syndrome. Identifiers: Orphanet 768, MedGen C1141890, MONDO:0019171.
Long QT syndrome 5 (LQT5). Identifiers: Orphanet 101016, Orphanet 768, MedGen C1867904, MONDO:0013372, OMIM 613695.
Long QT syndrome (LQTS). Identifiers: MedGen C0023976, MeSH D008133, MONDO:0002442. Disease mechanism: loss of function. Inheritance: Various modes of inheritance.
Jervell and Lange-Nielsen syndrome 2 (JLNS2). Identifiers: Orphanet 768, Orphanet 90647, MedGen C2676723, MONDO:0012871, OMIM 612347.

Allele frequency attached by ClinVar (database versions not stated): gnomAD 0.00004.
gnomAD v4.1: 40 of 1,528,300 alleles (0.0026%); highest among the groups gnomAD compares: Admixed American, 0.01%; 1 homozygote.

Submissions (12):

Ambry Genetics
Classification: Likely pathogenic for Cardiovascular phenotype. Last evaluated: 2026-07-14. Review status: criteria provided, single submitter. Criteria: Ambry Variant Classification Scheme 2023. Collection method: clinical testing. Allele origin: germline.
Comment: The p.R67C variant (also known as c.199C>T), located in coding exon 1 of the KCNE1 gene, results from a C to T substitution at nucleotide position 199. The arginine at codon 67 is replaced by cysteine, an amino acid with highly dissimilar properties. This alteration has been reported in long QT syndrome and sudden unexplained death cohorts (Hedley PL et al. Hum. Mutat., 2009 Nov;30:1486-511; Kapplinger JD et al. Heart Rhythm. 2009;6(9):1297-303; Wang D et al. Forensic Sci Int. 2014;237:90-9). This variant co-segregated with disease in 1 family tested in our laboratory (Internal Ambry Data). In a study looking at the function of phosphatidylinositol 4,5-biphosphate in potassium channel IKs, p.R67C was shown to cause a reduced current when compared to the wildtype (Li Y, Proc. Natl. Acad. Sci. U.S.A. 2011 May; 108(22):9095-100). This amino acid position is highly conserved in available vertebrate species. In addition, this alteration is predicted to be deleterious by in silico analysis. Based on the majority of available evidence to date, this variant is likely to be pathogenic.

CeGaT Center for Human Genetics Tuebingen
Classification: Likely pathogenic. Last evaluated: 2026-06-01. Review status: criteria provided, single submitter. Criteria: CeGaT Center For Human Genetics Tuebingen Variant Classification Criteria Version 2. Collection method: clinical testing. Allele origin: germline. Affected: yes. Observed: 2 variant alleles.
Comment: KCNE1: PM1, PM5, PS4:Moderate, PM2:Supporting

First Genomix Gene Laboratory, Genetic Diagnostics Department
Classification: Likely pathogenic for Jervell and Lange-Nielsen syndrome 2. Last evaluated: 2025-09-24. Review status: criteria provided, single submitter. Criteria: ACMG Guidelines, 2015. Collection method: clinical testing. Allele origin: germline. Inheritance: Autosomal recessive inheritance. Affected: no. Observed: 1 variant allele.

Labcorp Genetics (formerly Invitae), Labcorp
Classification: Pathogenic for Long QT syndrome. Last evaluated: 2025-09-17. Review status: criteria provided, single submitter. Criteria: Invitae Variant Classification Sherloc (09022015). Collection method: clinical testing. Allele origin: germline.
Comment: This sequence change replaces arginine, which is basic and polar, with cysteine, which is neutral and slightly polar, at codon 67 of the KCNE1 protein (p.Arg67Cys). This variant is present in population databases (rs199473645, gnomAD 0.009%). This missense change has been observed in individuals with clinical features of long QT syndrome and/or sudden unexplained death (PMID: 19716085, 24631775, 29247119, 30020974, 31941373, 32058015; internal data). ClinVar contains an entry for this variant (Variation ID: 132660). Invitae Evidence Modeling of protein sequence and biophysical properties (such as structural, functional, and spatial information, amino acid conservation, physicochemical variation, residue mobility, and thermodynamic stability) indicates that this missense variant is expected to disrupt KCNE1 protein function with a positive predictive value of 95%. Experimental studies have shown that this missense change affects KCNE1 function (PMID: 21576493). For these reasons, this variant has been classified as Pathogenic.

PreventionGenetics, part of Exact Sciences
Classification: Uncertain significance for KCNE1-related condition. Last evaluated: 2025-05-14. Review status: criteria provided, single submitter. Criteria: ACMG Guidelines, 2015. Collection method: clinical testing. Allele origin: germline.
Comment: The KCNE1 c.199C>T variant is predicted to result in the amino acid substitution p.Arg67Cys. This variant has been reported in multiple individuals with long QT syndrome or sudden unexplained death (see for examples, Table S4, Kapplinger et al. 2009. PubMed ID: 19716085; Hedley et al. 2009. PubMed ID: 19862833; Wang et al. 2014. PubMed ID: 24631775; Table S1, Roberts et al. 2020. PubMed ID: 31941373). This variant is reported in 0.0087% of alleles in individuals of Latino descent in gnomAD. The results of in vitro experimental studies of this variant are conflicting (Garmany et al. 2020. PubMed ID: 32058015; Li et al. 2011. PubMed ID: 21576493). An alternate missense substitution affecting the same amino acid (p.Arg67His) has also been reported in multiple individuals with long QT syndrome (Table S4, Kapplinger et al. 2009. PubMed ID: 19716085; Table S1, Roberts et al. 2020. PubMed ID: 31941373). Although we suspect that the c.199C>T (p.Arg67Cys) variant may be pathogenic, at this time, the clinical significance of this variant is uncertain due to the absence of conclusive functional and genetic evidence.

GeneDx
Classification: Uncertain significance. Last evaluated: 2022-08-08. Review status: criteria provided, single submitter. Criteria: GeneDx Variant Classification Process June 2021. Collection method: clinical testing. Allele origin: germline. Affected: yes.
Comment: In silico analysis supports that this missense variant has a deleterious effect on protein structure/function; One functional study proposed that p.(R67C) resulted in a LQTS phenotype due to decreased PIP2 sensitivity (Li et al., 2011); another study found that p.(R67C) had no significant effect on channel current compared with wild type (Garmany et al., 2020); This variant is associated with the following publications: (PMID: 24710009, 24631775, 30020974, 19862833, 28018021, 29247119, 25234231, 32058015, 31941373, 19716085, 21576493)

New York Genome Center
Classification: Uncertain significance for Long QT syndrome 5. Last evaluated: 2022-06-02. Review status: criteria provided, single submitter. Criteria: NYGC Assertion Criteria 2020. Collection method: clinical testing. Allele origin: germline. Observed: 1 heterozygote.

AiLife Diagnostics
Classification: Likely pathogenic. Last evaluated: 2021-12-15. Review status: criteria provided, single submitter. Criteria: ACMG Guidelines, 2015. Collection method: clinical testing. Allele origin: germline. Affected: yes. Observed: 2 variant alleles.

Women's Health and Genetics/Laboratory Corporation of America, LabCorp
Classification: Uncertain significance. Last evaluated: 2021-11-09. Review status: criteria provided, single submitter. Criteria: LabCorp Variant Classification Summary - May 2015. Collection method: clinical testing. Allele origin: germline.
Comment: Variant summary: KCNE1 c.199C>T (p.Arg67Cys) results in a non-conservative amino acid change located in the C-terminal domain (Kapplinger_2009) of the encoded protein sequence. Five of five in-silico tools predict a damaging effect of the variant on protein function. The variant allele was found at a frequency of 3.2e-05 in 251382 control chromosomes. In our cross sectional ascertainment of the literature, c.199C>T has been reported in the literature in cohorts of individuals undergoing comprehensive genetic evaluation for LQTS with a wide variation in age of onset (example, Kapplinger_2009, Wang_2014, Coll_2018, Roberts_2020) and as an uninformative occurrence in a family with congenital heart block that underwent WES (whole exome sequencing) (example, Thongnak_2016). One of these publications reporting a segregation within at-least two affected members from one family classified the variant as a VUS (Roberts_2020). These data indicate that the variant may be associated with disease. At least two publications report conflicting experimental evidence evaluating an impact on protein function (example, Li_2011, Garmany_2020). The most pronounced variant effect results in decreased sensitivity towards phosphatidylinositol 4,5-bisphosphate (PIP2) cofactor required for cardiac slow-delayed rectifier channel activity (Li_2011) while a subsequent study reported no significant differences in rectifying potassium current densities compared to WT (Garmany_2020). Three clinical diagnostic laboratories have submitted clinical-significance assessments for this variant citing overlapping but not identical evidence utilized in the context of this evalution (likely pathogenic, n=1; VUS, n=2). Based on the evidence outlined above, the variant was classified as VUS-possibly pathogenic.

Laboratory for Molecular Medicine, Mass General Brigham Personalized Medicine
Classification: Uncertain significance. Last evaluated: 2014-05-23. Review status: criteria provided, single submitter. Criteria: LMM Criteria. Collection method: clinical testing. Allele origin: germline. Observed: 2 variant alleles.
Comment: The Arg67Cys variant in KCNE1 has not previously been reported in any individual s with hearing loss but has been reported in one individual with long QT syndrom e (Kapplinger 2009). This variant was absent from large population studies. Comp utational prediction tools and conservation analyses suggest this variant may im pact the protein, though this information is not predictive enough to determine pathogenicity. In summary, the clinical significance of the Arg67Cys variant is uncertain.

Cardiovascular Biomedical Research Unit, Royal Brompton & Harefield NHS Foundation Trust
No classification provided. Condition: Familial long QT syndrome. Review status: no classification provided. Collection method: literature only. Allele origin: germline. Not counted in ClinVar's aggregate classification.
Comment: This variant has been reported as associated with Long QT syndrome in the following publications (PMID:19716085). This is a literature report, and does not necessarily reflect the clinical interpretation of the Imperial College / Royal Brompton Cardiovascular Genetics laboratory.

Roden Lab, Vanderbilt University Medical Center
No classification provided (evidence only). Condition: Long QT syndrome 5. Review status: no classification provided. Collection method: in vitro. Allele origin: not applicable. Functional consequence: Effect on ion channel function. Not counted in ClinVar's aggregate classification.
ClinVar note: "not provided" was previously submitted as the classification for the variant. However, the classification appeared to be based only on an observation of functional data so it was converted to no classification on 2025-07-30.

Literature cited by the submitters: PubMed 19716085 (cited by 6 submitters); PubMed 19862833 (cited by Ambry Genetics); PubMed 21576493 (cited by 3 submitters); PubMed 29247119 (cited by 3 submitters); PubMed 30020974 (cited by 3 submitters); PubMed 31941373 (cited by 4 submitters); PubMed 24631775 (cited by Labcorp Genetics (formerly Invitae), Labcorp and Women's Health and Genetics/Laboratory Corporation of America, LabCorp); PubMed 32058015 (cited by 3 submitters); PubMed 30461122 (cited by Women's Health and Genetics/Laboratory Corporation of America, LabCorp); PubMed 28018021 (cited by Women's Health and Genetics/Laboratory Corporation of America, LabCorp); PubMed 22581653 (cited by Cardiovascular Biomedical Research Unit, Royal Brompton & Harefield NHS Foundation Trust).

NM_000219.6(KCNE1):c.199C>T (p.Arg67Cys)

Gene: KCNE1 (potassium voltage-gated channel subfamily E regulatory subunit 1; minus strand). Cytogenetic location: 21q22.12.
Variant type: single nucleotide variant.
Coding change: c.199C>T on transcript NM_000219.6 (MANE Select); coding-DNA position 199, C replaced by T.
Protein change: p.Arg67Cys; replaces arginine 67 with cysteine.
Molecular consequence: missense variant.
Genome position (GRCh38, 1-based): chr21:34,449,436, G>A on the plus strand (C>T on the coding strand, the complement: KCNE1 is on the minus strand). VCF-style: chr21-34449436-G-A. GRCh37 (hg19) VCF-style: chr21-35821734-G-A.
Other names: c.199C>T, p.Arg67Cys (NM_001127668.4, NM_001127669.4, NM_001127670.4 and 4 more transcripts); c.199C>T (LRG_290t1); short protein forms R67C.
Identifiers: ClinVar variation 132660 (VCV000132660.46), dbSNP rs199473645, ClinGen allele CA185017.